The following is an entry in ClinVar:

ClinVar aggregate classification (germline): Pathogenic/Likely pathogenic. Review status: criteria provided, multiple submitters, no conflicts (2 of 4 stars). 4 submissions from 4 submitters: Pathogenic (3); Likely pathogenic (1). Last evaluated 2025-03-11.

Conditions:
USH2A-related disorder. Also called: USH2A-related disorders; USH2A-related condition. Identifiers: MedGen CN239332.
Usher syndrome type 2A. Also called: RETINAL DISEASE IN USHER SYNDROME TYPE IIA, MODIFIER OF; USHER SYNDROME, TYPE IIA. Identifiers: Orphanet 231178, Orphanet 886, MedGen C1848634, MONDO:0010169, OMIM 276901.
Retinitis pigmentosa 39 (RP39). Identifiers: Orphanet 791, MedGen C3151138, MONDO:0013436, OMIM 613809.

Allele frequency attached by ClinVar (database versions not stated): gnomAD exomes below 0.00001 and 0.00001; ExAC 0.00002.
gnomAD v4.1: 6 of 1,613,212 alleles (0.00037%); highest among the groups gnomAD compares: African/African-American, 0.0013%; no homozygotes.

Submissions (4):

Natera, Inc.
Classification: Pathogenic for Usher syndrome type 2A. Last evaluated: 2025-03-11. Review status: criteria provided, single submitter. Criteria: Natera Variant Classification Schema (03/2026). Collection method: clinical testing. Allele origin: germline.
Comment: The c.6616C>T variant in USH2A is a nonsense variant predicted to introduce a stop codon at amino acid 2206. This variant is expected to result in nonsense mediated decay, truncation, or a dysfunctional protein product. This variant is rare in the general population with a frequency below the threshold expected for the associated phenotype(s). This variant has been observed in one or more individuals affected with the associated recessive disease, as either homozygous or compound heterozygous with a second variant (PMID: 24901346). Given the available evidence, this variant is classified as Pathogenic.

Labcorp Genetics (formerly Invitae), Labcorp
Classification: Pathogenic. Last evaluated: 2024-11-11. Review status: criteria provided, single submitter. Criteria: Invitae Variant Classification Sherloc (09022015). Collection method: clinical testing. Allele origin: germline.
Comment: This sequence change creates a premature translational stop signal (p.Gln2206*) in the USH2A gene. It is expected to result in an absent or disrupted protein product. Loss-of-function variants in USH2A are known to be pathogenic (PMID: 10729113, 10909849, 20507924, 25649381). This variant is present in population databases (rs769609970, gnomAD 0.007%). This premature translational stop signal has been observed in individual(s) with Usher syndrome (PMID: 18273898). ClinVar contains an entry for this variant (Variation ID: 847796). Algorithms developed to predict the effect of sequence changes on RNA splicing suggest that this variant may disrupt the consensus splice site. For these reasons, this variant has been classified as Pathogenic.

Genome-Nilou Lab
Classification: Likely pathogenic for Retinitis pigmentosa 39. Last evaluated: 2023-11-04. Review status: criteria provided, single submitter. Criteria: ACMG Guidelines, 2015. Collection method: clinical testing. Allele origin: germline. Affected: no.

Blueprint Genetics
Classification: Pathogenic for USH2A-related disorders. Last evaluated: 2022-07-01. Review status: criteria provided, single submitter. Criteria: ACMG Guidelines, 2015. Collection method: clinical testing. Allele origin: germline. Affected: yes. Observed: 2 variant alleles.

Literature cited by the submitters: PubMed 24901346 (cited by Natera, Inc.); PubMed 10729113 (cited by Labcorp Genetics (formerly Invitae), Labcorp); PubMed 10909849 (cited by Labcorp Genetics (formerly Invitae), Labcorp); PubMed 20507924 (cited by Labcorp Genetics (formerly Invitae), Labcorp); PubMed 25649381 (cited by Labcorp Genetics (formerly Invitae), Labcorp); PubMed 18273898 (cited by Labcorp Genetics (formerly Invitae), Labcorp).

NM_206933.4(USH2A):c.6616C>T (p.Gln2206Ter)

Gene: USH2A (usherin; minus strand). Cytogenetic location: 1q41.
Variant type: single nucleotide variant.
Coding change: c.6616C>T on transcript NM_206933.4 (MANE Select); coding-DNA position 6616, C replaced by T.
Protein change: p.Gln2206Ter; replaces glutamine 2206 with a stop codon.
Molecular consequence: nonsense.
Genome position (GRCh38, 1-based): chr1:215,998,928, G>A on the plus strand (C>T on the coding strand, the complement: USH2A is on the minus strand). VCF-style: chr1-215998928-G-A. GRCh37 (hg19) VCF-style: chr1-216172270-G-A.
Other names: short protein forms Q2206*.
Identifiers: ClinVar variation 847796 (VCV000847796.15), dbSNP rs769609970, ClinGen allele CA1395094.
Genomic context (GRCh38, chr1:215,998,928, plus strand): 5'-GTGATGGAAATAAACTTACTCCCAGCTTGATGAGATATTTATTACCAGGTAAAACGTATT[G>A]TAGCATATGATCCTGGAAAAGTTCTGTACTGTTATAGATGACACTCCAAATTGTAAAATC-3'